The following is an entry in ClinVar:

NM_001256789.3(CACNA1F):c.5396G>A (p.Arg1799His)

Gene: CACNA1F (calcium voltage-gated channel subunit alpha1 F; minus strand). Cytogenetic location: Xp11.23.
Variant type: single nucleotide variant.
Coding change: c.5396G>A on transcript NM_001256789.3 (MANE Select); coding-DNA position 5396, G replaced by A.
Protein change: p.Arg1799His; replaces arginine 1799 with histidine.
Molecular consequence: missense variant.
Genome position (GRCh38, 1-based): chrX:49,206,587, C>T on the plus strand (G>A on the coding strand, the complement: CACNA1F is on the minus strand). VCF-style: chrX-49206587-C-T. GRCh37 (hg19) VCF-style: chrX-49063048-C-T.
Other names: c.5234G>A, p.Arg1745His (NM_001256790.3); c.5429G>A, p.Arg1810His (NM_005183.4); short protein forms R1799H, R1745H, R1810H.
Identifiers: ClinVar variation 1912597 (VCV001912597.5), dbSNP rs150889699, ClinGen allele CA10409983.
Genomic context (GRCh38, chrX:49,206,587, plus strand): 5'-CCTGAATTTCGCCCACGATGATAGGTGCCTGGGATGGGTAAATCCTCACAACTGCCCTGG[C>T]GCTGCAGACACTGGATGGTGAAGGAGGGCTTCCGACCTGGGGGTGGGTGGGGCACCAGGG-3'
Protein context (NP_001243718.1, residues 1789-1809): KPSFTIQCLQ[Arg1799His]QGSCEDLPIP

ClinVar aggregate classification (germline): Uncertain significance (1 of 4 stars; one submission).

Allele frequency attached by ClinVar (database versions not stated): gnomAD exomes 0.00002; gnomAD 0.00006; TOPMed 0.00006; ESP Exome Variant Server 0.00009; ExAC 0.00010.
gnomAD v4.1: 29 of 1,207,748 alleles (0.0024%); highest among the groups gnomAD compares: East Asian, 0.0089%; no homozygotes.

Submission:

Labcorp Genetics (formerly Invitae), Labcorp
Classification: Uncertain significance. Last evaluated: 2026-01-21. Review status: criteria provided, single submitter. Criteria: Invitae Variant Classification Sherloc (09022015). Collection method: clinical testing. Allele origin: germline.
Comment: This sequence change replaces arginine, which is basic and polar, with histidine, which is basic and polar, at codon 1810 of the CACNA1F protein (p.Arg1810His). This variant is present in population databases (rs150889699, gnomAD 0.01%). This missense change has been observed in individual(s) with congenital stationary night blindness (PMID: 38448886). ClinVar contains an entry for this variant (Variation ID: 1912597). An algorithm developed to predict the effect of missense changes on protein structure and function outputs the following: PolyPhen-2: "Possibly Damaging". The histidine amino acid residue is found in multiple mammalian species, which suggests that this missense change does not adversely affect protein function. In summary, the available evidence is currently insufficient to determine the role of this variant in disease. Therefore, it has been classified as a Variant of Uncertain Significance.

Literature cited by the submitters: PubMed 38448886.